The following is an entry in ClinVar:

NM_005186.4(CAPN1):c.159G>A (p.Gly53=)

Gene: CAPN1 (calpain 1; plus strand). Cytogenetic location: 11q13.1.
Variant type: single nucleotide variant.
Coding change: c.159G>A on transcript NM_005186.4 (MANE Select); coding-DNA position 159, G replaced by A.
Protein change: p.Gly53=; no amino-acid change (glycine 53 retained).
Molecular consequence: synonymous variant. On other transcripts: non-coding transcript variant (1).
Genome position (GRCh38, 1-based): chr11:65,182,860, G>A. VCF-style: chr11-65182860-G-A. GRCh37 (hg19) VCF-style: chr11-64950331-G-A.
Other names: p.Gly53=; c.159G>A, p.Gly53= (NM_001198868.2, NM_001198869.2).
Identifiers: ClinVar variation 720350 (VCV000720350.12), dbSNP rs17880800, ClinGen allele CA6092960.

ClinVar aggregate classification (germline): Benign/Likely benign. Review status: criteria provided, multiple submitters, no conflicts (2 of 4 stars). 4 submissions from 4 submitters: Benign (3); Likely benign (1). Last evaluated 2026-01-16.

Allele frequency attached by ClinVar (database versions not stated): gnomAD exomes 0.00067 and 0.00134; ExAC 0.00232; gnomAD 0.00566 and 0.00601; ESP Exome Variant Server 0.00593; 1000 Genomes Project 0.00619; 1000 Genomes Project 30x 0.00625; TOPMed 0.00644.

Submissions (4):

Labcorp Genetics (formerly Invitae), Labcorp
Classification: Benign. Last evaluated: 2026-01-16. Review status: criteria provided, single submitter. Criteria: Invitae Variant Classification Sherloc (09022015). Collection method: clinical testing. Allele origin: germline.

Blueprint Genetics
Classification: Likely benign. Last evaluated: 2024-11-01. Review status: criteria provided, single submitter. Criteria: ACMG Guidelines, 2015. Collection method: clinical testing. Allele origin: germline.

Mayo Clinic Laboratories, Mayo Clinic
Classification: Benign. Last evaluated: 2023-12-29. Review status: criteria provided, single submitter. Criteria: ACMG Guidelines, 2015. Collection method: clinical testing. Allele origin: germline. Observed: 2 variant alleles.
Comment: BA1, BP4, BP7

Breakthrough Genomics
Classification: Benign. Review status: criteria provided, single submitter. Criteria: ACMG Guidelines, 2015. Collection method: not provided. Allele origin: germline. Inheritance: Autosomal recessive inheritance. Affected: yes.